The following is an entry in ClinVar:

NM_024426.6(WT1):c.75C>T (p.Ser25=)

Genes: WT1 (WT1 transcription factor; minus strand), LOC107982234 (WT1/WT1-AS bi-directional promoter region; plus strand). Cytogenetic location: 11p13.
Variant type: single nucleotide variant.
Coding change: c.75C>T on transcript NM_024426.6 (MANE Select); coding-DNA position 75, C replaced by T.
Protein change: p.Ser25=; no amino-acid change (serine 25 retained).
Molecular consequence: synonymous variant. On other transcripts: non-coding transcript variant (1).
Genome position (GRCh38, 1-based): chr11:32,435,286, G>A on the plus strand (C>T on the coding strand, the complement: WT1 is on the minus strand). VCF-style: chr11-32435286-G-A. GRCh37 (hg19) VCF-style: chr11-32456832-G-A.
Other names: c.75C>T, p.Ser25= (NM_000378.6, NM_024424.5).
Identifiers: ClinVar variation 543158 (VCV000543158.15), dbSNP rs1417997475, ClinGen allele CA473773368.

ClinVar aggregate classification (germline): Likely benign. Review status: criteria provided, multiple submitters, no conflicts (2 of 4 stars). 4 submissions from 4 submitters: Likely benign (3). 1 of the submissions does not count toward it. Last evaluated 2025-11-12.

Conditions:
Inborn genetic diseases. Identifiers: MedGen C0950123, MeSH D030342.
Drash syndrome (DDS). Also called: WILMS TUMOR AND PSEUDO- OR TRUE HERMAPHRODITISM; NEPHROPATHY, WILMS TUMOR, AND GENITAL ANOMALIES. Identifiers: Orphanet 220, MedGen C0950121, MONDO:0008682, OMIM 194080.
Frasier syndrome. Identifiers: Orphanet 347, MedGen C0950122, MeSH D052159, MONDO:0007635, OMIM 136680.
Wilms tumor 1 (WT1). Also called: Wilms tumor, somatic. Identifiers: Orphanet 654, MedGen CN033288, MONDO:0008679, OMIM 194070.
11p partial monosomy syndrome (WAGR). Also called: WAGR syndrome; WAGR Complex; WAGR Spectrum Disorder; CHROMOSOME 11p13 DELETION SYNDROME. Identifiers: Orphanet 893, MedGen C0206115, MONDO:0008681, OMIM 194072.
WT1-related disorder. Also called: WT1-related disorders. Identifiers: MedGen CN377814.

Allele frequency attached by ClinVar (database versions not stated): TOPMed below 0.00001; gnomAD 0.00001; gnomAD exomes 0.00001 and 0.00002.
gnomAD v4.1: 12 of 1,533,730 alleles (0.00078%); highest among the groups gnomAD compares: Non-Finnish European, 0.00052%; no homozygotes.

Submissions (4):

Labcorp Genetics (formerly Invitae), Labcorp
Classification: Likely benign for Wilms tumor 1; Drash syndrome; 11p partial monosomy syndrome; Frasier syndrome. Last evaluated: 2025-11-12. Review status: criteria provided, single submitter. Criteria: Invitae Variant Classification Sherloc (09022015). Collection method: clinical testing. Allele origin: germline.

Ambry Genetics
Classification: Likely benign for Inborn genetic diseases. Last evaluated: 2024-12-20. Review status: criteria provided, single submitter. Criteria: Ambry Variant Classification Scheme 2023. Collection method: clinical testing. Allele origin: germline.

Blueprint Genetics
Classification: Likely benign. Last evaluated: 2024-01-16. Review status: criteria provided, single submitter. Criteria: ACMG Guidelines, 2015. Collection method: clinical testing. Allele origin: germline.

PreventionGenetics, part of Exact Sciences
Classification: Likely benign for WT1-related condition. Last evaluated: 2023-06-30. Review status: no assertion criteria provided. Collection method: clinical testing. Allele origin: germline. Not counted in ClinVar's aggregate classification.
Comment: This variant is classified as likely benign based on ACMG/AMP sequence variant interpretation guidelines (Richards et al. 2015 PMID: 25741868, with internal and published modifications).